The following is an entry in ClinVar:

ClinVar aggregate classification (germline): Uncertain significance. Review status: criteria provided, multiple submitters, no conflicts (2 of 4 stars). 2 submissions from 2 submitters: Uncertain significance (2). Last evaluated 2025-03-05.

Conditions:
Hereditary cancer-predisposing syndrome. Also called: Tumor predisposition; Hereditary neoplastic syndrome; Neoplastic Syndromes, Hereditary; Hereditary Cancer Syndrome. Identifiers: Orphanet 140162, MedGen C0027672, MeSH D009386, MONDO:0015356.

Allele frequency attached by ClinVar (database versions not stated): gnomAD exomes below 0.00001; ExAC 0.00001.
gnomAD v4.1: 1 of 1,614,156 alleles (0.000062%); highest among the groups gnomAD compares: Non-Finnish European, 0.000085%; no homozygotes.

Submissions (2):

Ambry Genetics
Classification: Uncertain significance for Hereditary cancer-predisposing syndrome. Last evaluated: 2025-03-05. Review status: criteria provided, single submitter. Criteria: Ambry Variant Classification Scheme 2023. Collection method: clinical testing. Allele origin: germline.
Comment: The p.D1272H variant (also known as c.3814G>C), located in coding exon 25 of the RAD50 gene, results from a G to C substitution at nucleotide position 3814. The aspartic acid at codon 1272 is replaced by histidine, an amino acid with similar properties. This amino acid position is conserved. In addition, this alteration is predicted to be deleterious by in silico analysis. Since supporting evidence is limited at this time, the clinical significance of this alteration remains unclear.

Labcorp Genetics (formerly Invitae), Labcorp
Classification: Uncertain significance for Hereditary cancer-predisposing syndrome. Last evaluated: 2021-11-01. Review status: criteria provided, single submitter. Criteria: Invitae Variant Classification Sherloc (09022015). Collection method: clinical testing. Allele origin: germline.
Comment: In summary, the available evidence is currently insufficient to determine the role of this variant in disease. Therefore, it has been classified as a Variant of Uncertain Significance. Algorithms developed to predict the effect of missense changes on protein structure and function are either unavailable or do not agree on the potential impact of this missense change (SIFT: "Tolerated"; PolyPhen-2: "Probably Damaging"; Align-GVGD: "Class C0"). ClinVar contains an entry for this variant (Variation ID: 958699). This variant has not been reported in the literature in individuals affected with RAD50-related conditions. This variant is present in population databases (rs753091579, gnomAD 0.0009%). This sequence change replaces aspartic acid, which is acidic and polar, with histidine, which is basic and polar, at codon 1272 of the RAD50 protein (p.Asp1272His).

NM_005732.4(RAD50):c.3814G>C (p.Asp1272His)

Genes: TH2LCRR (T helper type 2 locus control region associated RNA; minus strand), RAD50 (RAD50 double strand break repair protein; plus strand). Cytogenetic location: 5q31.1.
Variant type: single nucleotide variant.
Coding change: c.3814G>C on transcript NM_005732.4 (MANE Select); coding-DNA position 3814, G replaced by C.
Protein change: p.Asp1272His; replaces aspartic acid 1272 with histidine.
Molecular consequence: missense variant. On other transcripts: non-coding transcript variant (1).
Genome position (GRCh38, 1-based): chr5:132,642,239, G>C. VCF-style: chr5-132642239-G-C. GRCh37 (hg19) VCF-style: chr5-131977931-G-C.
Other names: short protein forms D1272H.
Identifiers: ClinVar variation 958699 (VCV000958699.11), dbSNP rs753091579, ClinGen allele CA3405684.
Genomic context (GRCh38, chr5:132,642,239, plus strand): 5'-ATAATAAAAAGTCGCTCACAGCAGCGTAACTTCCAGCTTCTGGTAATCACTCATGATGAA[G>C]ATTTTGTGGAGCTTTTAGGACGTTCTGAATATGTGGAGAAATTCTACAGGATTAAAAAGA-3'
Protein context (NP_005723.2, residues 1262-1282): FQLLVITHDE[Asp1272His]FVELLGRSEY